The following is an entry in ClinVar:

ClinVar aggregate classification (germline): Uncertain significance (1 of 4 stars; one submission).

Allele frequency attached by ClinVar (database versions not stated): gnomAD exomes below 0.00001.
gnomAD v4.1: 4 of 1,596,872 alleles (0.00025%); highest among the groups gnomAD compares: Non-Finnish European, 0.00034%; no homozygotes.

Submission:

Labcorp Genetics (formerly Invitae), Labcorp
Classification: Uncertain significance. Last evaluated: 2024-01-16. Review status: criteria provided, single submitter. Criteria: Invitae Variant Classification Sherloc (09022015). Collection method: clinical testing. Allele origin: germline.
Comment: This sequence change replaces proline, which is neutral and non-polar, with leucine, which is neutral and non-polar, at codon 653 of the RASA2 protein (p.Pro653Leu). This variant is not present in population databases (gnomAD no frequency). This variant has not been reported in the literature in individuals affected with RASA2-related conditions. Advanced modeling of protein sequence and biophysical properties (such as structural, functional, and spatial information, amino acid conservation, physicochemical variation, residue mobility, and thermodynamic stability) performed at Invitae indicates that this missense variant is not expected to disrupt RASA2 protein function with a negative predictive value of 80%. In summary, the available evidence is currently insufficient to determine the role of this variant in disease. Therefore, it has been classified as a Variant of Uncertain Significance.

NM_006506.5(RASA2):c.1958C>T (p.Pro653Leu)

Gene: RASA2 (RAS p21 protein activator 2; plus strand). Cytogenetic location: 3q23.
Variant type: single nucleotide variant.
Coding change: c.1958C>T on transcript NM_006506.5 (MANE Select); coding-DNA position 1958, C replaced by T.
Protein change: p.Pro653Leu; replaces proline 653 with leucine.
Molecular consequence: missense variant.
Genome position (GRCh38, 1-based): chr3:141,607,702, C>T. VCF-style: chr3-141607702-C-T. GRCh37 (hg19) VCF-style: chr3-141326544-C-T.
Other names: c.1961C>T, p.Pro654Leu (NM_001303245.3); c.1970C>T, p.Pro657Leu (NM_001303246.3); short protein forms P653L, P657L, P654L.
Identifiers: ClinVar variation 2755731 (VCV002755731.3), dbSNP rs2478868909, ClinGen allele CA354773482.
Genomic context (GRCh38, chr3:141,607,702, plus strand): 5'-TTACTTTAATTTTGTTTTACTTTTTTTATTATTTAGGCAAAGATGCAATCTACACAATCC[C>T]AGTAAAAAACATTCTTGCTGTGGAAAAACTGGAAGAGAGCTCTTTCAACAAGAAAAATGT-3'
Protein context (NP_006497.2, residues 643-663): QPGKDAIYTI[Pro653Leu]VKNILAVEKL